The following is an entry in ClinVar:

ClinVar aggregate classification (germline): Pathogenic (1 of 4 stars; one submission).

Conditions:
Inborn genetic diseases. Identifiers: MedGen C0950123, MeSH D030342.

Submission:

Ambry Genetics
Classification: Pathogenic for Inborn genetic diseases. Last evaluated: 2022-01-13. Review status: criteria provided, single submitter. Criteria: Ambry Variant Classification Scheme 2023. Collection method: clinical testing. Allele origin: germline.
Comment: The c.641delG (p.G214Efs*17) alteration, located in exon 6 (coding exon 6) of the UPB1 gene, consists of a deletion of one nucleotide at position 641, causing a translational frameshift with a predicted alternate stop codon after 17 amino acids. This alteration is expected to result in loss of function by premature protein truncation or nonsense-mediated mRNA decay. This variant was not reported in population-based cohorts in the Genome Aggregation Database (gnomAD). Based on the available evidence, this alteration is classified as pathogenic.

NM_016327.3(UPB1):c.641del (p.Gly214fs)

Gene: UPB1 (beta-ureidopropionase 1; plus strand). Cytogenetic location: 22q11.23.
Variant type: Deletion.
Coding change: c.641del on transcript NM_016327.3 (MANE Select); coding-DNA position 641, one base deleted (G; older notation c.641delG).
Protein change: p.Gly214fs; shifts the reading frame from glycine 214.
Molecular consequence: frameshift variant.
Genome position (GRCh38, 1-based): chr22:24,515,220, G deleted; the last of 3 consecutive G bases (chr22:24,515,218-24,515,220); deleting any one gives the same sequence. VCF-style (leftmost placement, unchanged base first): chr22-24515217-AG-A. GRCh37 (hg19) VCF-style: chr22-24911185-AG-A.
Other names: short protein forms G214fs.
Identifiers: ClinVar variation 2264247 (VCV002264247.2), dbSNP rs2044271397, ClinGen allele CA2398299036.